The following is an entry in ClinVar:

NM_177438.3(DICER1):c.3915C>T (p.Asn1305=)

Gene: DICER1 (dicer 1, ribonuclease III; minus strand). Cytogenetic location: 14q32.13.
Variant type: single nucleotide variant.
Coding change: c.3915C>T on transcript NM_177438.3 (MANE Select); coding-DNA position 3915, C replaced by T.
Protein change: p.Asn1305=; no amino-acid change (asparagine 1305 retained).
Molecular consequence: synonymous variant.
Genome position (GRCh38, 1-based): chr14:95,103,481, G>A on the plus strand (C>T on the coding strand, the complement: DICER1 is on the minus strand). VCF-style: chr14-95103481-G-A. GRCh37 (hg19) VCF-style: chr14-95569818-G-A.
Other names: c.3915C>T, p.Asn1305= (NM_001195573.1, NM_001271282.3, NM_001291628.2 and 1 more transcripts).
Identifiers: ClinVar variation 242095 (VCV000242095.21), dbSNP rs768375445, ClinGen allele CA7330970.

ClinVar aggregate classification (germline): Benign/Likely benign. Review status: criteria provided, multiple submitters, no conflicts (2 of 4 stars). 7 submissions from 7 submitters: Benign (1); Likely benign (6). Last evaluated 2026-04-17.

Conditions:
Hereditary cancer-predisposing syndrome. Also called: Hereditary Cancer Syndrome; Tumor predisposition; Hereditary neoplastic syndrome; Neoplastic Syndromes, Hereditary. Identifiers: Orphanet 140162, MedGen C0027672, MeSH D009386, MONDO:0015356.
DICER1-related tumor predisposition. Also called: DICER1-related pleuropulmonary blastoma cancer predisposition syndrome; DICER1 syndrome. Identifiers: Orphanet 284343, MedGen C3839822, MONDO:0100216.

Allele frequency attached by ClinVar (database versions not stated): ExAC 0.00002; gnomAD exomes 0.00002; gnomAD 0.00003; TOPMed 0.00005.
gnomAD v4.1: 79 of 1,614,148 alleles (0.0049%); highest among the groups gnomAD compares: Middle Eastern, 0.033%; no homozygotes.

Submissions (7):

Myriad Genetics, Inc.
Classification: Benign for DICER1-related tumor predisposition. Last evaluated: 2026-04-17. Review status: criteria provided, single submitter. Criteria: Myriad Autosomal Dominant, Autosomal Recessive and X-Linked Classification Criteria (2023). Collection method: clinical testing. Allele origin: unknown.
Comment: This variant is considered benign. This variant is a silent/synonymous amino acid change and it is not expected to impact splicing.

Labcorp Genetics (formerly Invitae), Labcorp
Classification: Likely benign for DICER1-related tumor predisposition. Last evaluated: 2026-01-28. Review status: criteria provided, single submitter. Criteria: Invitae Variant Classification Sherloc (09022015). Collection method: clinical testing. Allele origin: germline.

Hereditary Cancer Group, L’Institut d'Investigació Biomèdica de Bellvitge
Classification: Likely benign for Hereditary cancer-predisposing syndrome. Last evaluated: 2024-12-19. Review status: criteria provided, single submitter. Criteria: Hatton et al. (Hum Mutat. 2023). Collection method: clinical testing. Allele origin: germline. Inheritance: Autosomal dominant inheritance. Affected: yes.
Comment: BP4, BP7

Blueprint Genetics
Classification: Likely benign. Last evaluated: 2024-08-01. Review status: criteria provided, single submitter. Criteria: ACMG Guidelines, 2015. Collection method: clinical testing. Allele origin: germline.

Quest Diagnostics Nichols Institute San Juan Capistrano
Classification: Likely benign. Last evaluated: 2022-12-03. Review status: criteria provided, single submitter. Criteria: Quest Diagnostics criteria. Collection method: clinical testing. Allele origin: unknown.

Sema4
Classification: Likely benign for Hereditary cancer-predisposing syndrome. Last evaluated: 2021-03-25. Review status: criteria provided, single submitter. Criteria: Sema4 Curation Guidelines. Collection method: curation. Allele origin: germline.

Ambry Genetics
Classification: Likely benign for Hereditary cancer-predisposing syndrome. Last evaluated: 2017-07-20. Review status: criteria provided, single submitter. Criteria: Ambry Variant Classification Scheme 2023. Collection method: clinical testing. Allele origin: germline.